The following is an entry in ClinVar:

NM_004415.4(DSP):c.3931C>T (p.Gln1311Ter)

Gene: DSP (desmoplakin; plus strand). Cytogenetic location: 6p24.3.
Variant type: single nucleotide variant.
Coding change: c.3931C>T on transcript NM_004415.4 (MANE Select); coding-DNA position 3931, C replaced by T.
Protein change: p.Gln1311Ter; replaces glutamine 1311 with a stop codon.
Molecular consequence: nonsense. On other transcripts: intron variant (1).
Genome position (GRCh38, 1-based): chr6:7,580,121, C>T. VCF-style: chr6-7580121-C-T. GRCh37 (hg19) VCF-style: chr6-7580354-C-T.
Other names: c.3931C>T, p.Gln1311Ter (NM_001319034.2); c.3582+349C>T (NM_001008844.3); short protein forms Q1311*.
Identifiers: ClinVar variation 2567512 (VCV002567512.2), dbSNP rs2533926690, ClinGen allele CA362685169.

ClinVar aggregate classification (germline): Pathogenic (1 of 4 stars; one submission).

Conditions:
Cardiovascular phenotype. Identifiers: MedGen CN230736.

Submission:

Ambry Genetics
Classification: Pathogenic for Cardiovascular phenotype. Last evaluated: 2023-03-22. Review status: criteria provided, single submitter. Criteria: Ambry Variant Classification Scheme 2023. Collection method: clinical testing. Allele origin: germline.
Comment: The p.Q1311* pathogenic mutation (also known as c.3931C>T), located in coding exon 23 of the DSP gene, results from a C to T substitution at nucleotide position 3931. This changes the amino acid from a glutamine to a stop codon within coding exon 23. This variant is considered to be rare based on population cohorts in the Genome Aggregation Database (gnomAD). Alterations in DSP that result in haploinsufficiency or protein truncation have been reported in patients with arrhythmogenic right ventricular cardiomyopathy (ARVC) and dilated cardiomyopathy (DCM) (Fressart V et al. Europace. 2010;12(6):861-8; Elliott P et al. Circ Cardiovasc Genet. 2010;3(4):314-22; Quarta G et al. Circulation. 2011;123(23):2701-9; Garcia-Pavia P et al. Heart. 2011;97(21):1744-52; Rasmussen TB et al. Clin Genet. 2013;84(1):20-30; Pugh TJ et al. Genet Med. 2014;16(8):601-8). This alteration is expected to result in loss of function by premature protein truncation or nonsense-mediated mRNA decay. As such, this alteration is interpreted as a disease-causing mutation.